The following is an entry in ClinVar:

ClinVar aggregate classification (germline): Uncertain significance. Review status: criteria provided, multiple submitters, no conflicts (2 of 4 stars). 2 submissions from 2 submitters: Uncertain significance (2). Last evaluated 2025-08-12.

Conditions:
Congenital myotonia, autosomal dominant form (THD). Also called: THOMSEN DISEASE; Myotonia congenita autosomal dominant. Identifiers: Orphanet 614, MedGen C2936781, MONDO:0008055, OMIM 160800.
Congenital myotonia, autosomal recessive form. Also called: Becker Generalized Myotonia; myotonia congenita, autosomal recessive; BECKER DISEASE. Identifiers: Orphanet 614, MedGen C0751360, MONDO:0009715, OMIM 255700.

Allele frequency attached by ClinVar (database versions not stated): gnomAD 0.00002; ExAC 0.00005; gnomAD exomes 0.00005; ESP Exome Variant Server 0.00008.
gnomAD v4.1: 48 of 1,614,042 alleles (0.003%); highest among the groups gnomAD compares: East Asian, 0.018%; no homozygotes.

Submissions (2):

Labcorp Genetics (formerly Invitae), Labcorp
Classification: Uncertain significance for Congenital myotonia, autosomal recessive form; Congenital myotonia, autosomal dominant form. Last evaluated: 2025-08-12. Review status: criteria provided, single submitter. Criteria: Invitae Variant Classification Sherloc (09022015). Collection method: clinical testing. Allele origin: germline.
Comment: This sequence change replaces arginine, which is basic and polar, with tryptophan, which is neutral and slightly polar, at codon 300 of the CLCN1 protein (p.Arg300Trp). This variant is present in population databases (rs368280521, gnomAD 0.02%). This variant has not been reported in the literature in individuals affected with CLCN1-related conditions. ClinVar contains an entry for this variant (Variation ID: 1076476). Invitae Evidence Modeling of protein sequence and biophysical properties (such as structural, functional, and spatial information, amino acid conservation, physicochemical variation, residue mobility, and thermodynamic stability) indicates that this missense variant is expected to disrupt CLCN1 protein function with a positive predictive value of 95%. In summary, the available evidence is currently insufficient to determine the role of this variant in disease. Therefore, it has been classified as a Variant of Uncertain Significance.

Fulgent Genetics
Classification: Uncertain significance for Congenital myotonia, autosomal dominant form; Congenital myotonia, autosomal recessive form. Last evaluated: 2022-04-22. Review status: criteria provided, single submitter. Criteria: ACMG Guidelines, 2015. Collection method: clinical testing. Allele origin: unknown.

NM_000083.3(CLCN1):c.898C>T (p.Arg300Trp)

Gene: CLCN1 (chloride voltage-gated channel 1; plus strand). Cytogenetic location: 7q34.
Variant type: single nucleotide variant.
Coding change: c.898C>T on transcript NM_000083.3 (MANE Select); coding-DNA position 898, C replaced by T.
Protein change: p.Arg300Trp; replaces arginine 300 with tryptophan.
Molecular consequence: missense variant. On other transcripts: non-coding transcript variant (1).
Genome position (GRCh38, 1-based): chr7:143,330,816, C>T. VCF-style: chr7-143330816-C-T. GRCh37 (hg19) VCF-style: chr7-143027909-C-T.
Other names: short protein forms R300W.
Identifiers: ClinVar variation 1076476 (VCV001076476.6), dbSNP rs368280521, ClinGen allele CA4537172.